The following is an entry in ClinVar:

ClinVar aggregate classification (germline): Uncertain significance (1 of 4 stars; one submission).

Conditions:
Werner syndrome (WRN). Identifiers: Orphanet 902, MedGen C0043119, MONDO:0010196, OMIM 277700.

gnomAD v4.1: 1 of 1,614,178 alleles (0.000062%); highest among the groups gnomAD compares: Non-Finnish European, 0.000085%; no homozygotes.

Submission:

Labcorp Genetics (formerly Invitae), Labcorp
Classification: Uncertain significance for Werner syndrome. Last evaluated: 2023-10-28. Review status: criteria provided, single submitter. Criteria: Invitae Variant Classification Sherloc (09022015). Collection method: clinical testing. Allele origin: germline.
Comment: This sequence change replaces tyrosine, which is neutral and polar, with cysteine, which is neutral and slightly polar, at codon 1034 of the WRN protein (p.Tyr1034Cys). This variant is not present in population databases (gnomAD no frequency). This variant has not been reported in the literature in individuals affected with WRN-related conditions. An algorithm developed to predict the effect of missense changes on protein structure and function (PolyPhen-2) suggests that this variant is likely to be disruptive. In summary, the available evidence is currently insufficient to determine the role of this variant in disease. Therefore, it has been classified as a Variant of Uncertain Significance.

NM_000553.6(WRN):c.3101A>G (p.Tyr1034Cys)

Gene: WRN (WRN RecQ like helicase; plus strand). Cytogenetic location: 8p12.
Variant type: single nucleotide variant.
Coding change: c.3101A>G on transcript NM_000553.6 (MANE Select); coding-DNA position 3101, A replaced by G.
Protein change: p.Tyr1034Cys; replaces tyrosine 1034 with cysteine.
Molecular consequence: missense variant.
Genome position (GRCh38, 1-based): chr8:31,141,563, A>G. VCF-style: chr8-31141563-A-G. GRCh37 (hg19) VCF-style: chr8-30999079-A-G.
Other names: short protein forms Y1034C.
Identifiers: ClinVar variation 2995532 (VCV002995532.3), dbSNP rs200370409, ClinGen allele CA370922360.